The following is an entry in ClinVar:

ClinVar aggregate classification (germline): Uncertain significance (1 of 4 stars; one submission).

Conditions:
Cardiovascular phenotype. Identifiers: MedGen CN230736.

Submission:

Ambry Genetics
Classification: Uncertain significance for Cardiovascular phenotype. Last evaluated: 2024-08-12. Review status: criteria provided, single submitter. Criteria: Ambry Variant Classification Scheme 2023. Collection method: clinical testing. Allele origin: germline.
Comment: The p.E74K variant (also known as c.220G>A), located in coding exon 1 of the MYPN gene, results from a G to A substitution at nucleotide position 220. The glutamic acid at codon 74 is replaced by lysine, an amino acid with similar properties. This amino acid position is conserved. In addition, this alteration is predicted to be tolerated by in silico analysis. Based on the available evidence, the clinical significance of this variant remains unclear.

NM_032578.4(MYPN):c.220G>A (p.Glu74Lys)

Gene: MYPN (myopalladin; plus strand). Cytogenetic location: 10q21.3.
Variant type: single nucleotide variant.
Coding change: c.220G>A on transcript NM_032578.4 (MANE Select); coding-DNA position 220, G replaced by A.
Protein change: p.Glu74Lys; replaces glutamic acid 74 with lysine.
Molecular consequence: missense variant. On other transcripts: 5 prime UTR variant (1), non-coding transcript variant (1).
Genome position (GRCh38, 1-based): chr10:68,121,658, G>A. VCF-style: chr10-68121658-G-A. GRCh37 (hg19) VCF-style: chr10-69881415-G-A.
Other names: c.220G>A, p.Glu74Lys (NM_001256267.2); c.-903G>A (NM_001256268.2); short protein forms E74K.
Identifiers: ClinVar variation 3402029 (VCV003402029.1).